The following is an entry in ClinVar:

NM_017780.4(CHD7):c.747dup (p.Arg250fs)

Gene: CHD7 (chromodomain helicase DNA binding protein 7; plus strand). Cytogenetic location: 8q12.2.
Variant type: Duplication.
Coding change: c.747dup on transcript NM_017780.4 (MANE Select); coding-DNA position 747, one base duplicated (G; older notation c.747dupG).
Protein change: p.Arg250fs; shifts the reading frame from arginine 250.
Molecular consequence: frameshift variant.
Genome position (GRCh38, 1-based): chr8:60,742,179, G duplicated. VCF-style (leftmost placement, unchanged base first): chr8-60742178-T-TG. GRCh37 (hg19) VCF-style: chr8-61654737-T-TG.
Other names: c.747dup, p.Arg250fs (NM_001316690.1); short protein forms R250fs.
Identifiers: ClinVar variation 4851652 (VCV004851652.1).
Genomic context (GRCh38, chr8:60,742,178, plus strand): 5'-CCTCAGGACCTGGCCACTTGTCCCACGTGCCCCAGCAGAGTCCCAGCATGGCACCTTCCT[T>TG]GCGTCACTCGGTGCAGCAGTTCCATCACCACCCCTCTACTGCTCTCCATGGAGAATCCGT-3'

ClinVar aggregate classification (germline): Likely pathogenic (1 of 4 stars; one submission).

Conditions:
CHD7-related CHARGE syndrome. Identifiers: MedGen CN380413, MONDO:1010178, OMIM 214800.

Submission:

Greenwood Genetic Center Diagnostic Laboratories, Greenwood Genetic Center
Classification: Likely pathogenic for CHD7-related CHARGE syndrome. Last evaluated: 2025-02-01. Review status: criteria provided, single submitter. Criteria: ACMG Guidelines, 2015. Collection method: clinical testing. Allele origin: germline. Affected: yes.
Comment: PVS1, PM2